The following is an entry in ClinVar:

NM_001453.3(FOXC1):c.553G>A (p.Glu185Lys)

Gene: FOXC1 (forkhead box C1; plus strand). Cytogenetic location: 6p25.3.
Variant type: single nucleotide variant.
Coding change: c.553G>A on transcript NM_001453.3 (MANE Select); coding-DNA position 553, G replaced by A.
Protein change: p.Glu185Lys; replaces glutamic acid 185 with lysine.
Molecular consequence: missense variant.
Genome position (GRCh38, 1-based): chr6:1,610,998, G>A. VCF-style: chr6-1610998-G-A. GRCh37 (hg19) VCF-style: chr6-1611233-G-A.
Other names: short protein forms E185K.
Identifiers: ClinVar variation 3608904 (VCV003608904.2).
Genomic context (GRCh38, chr6:1,610,998, plus strand): 5'-GGCAGCTTCCTGCGGCGGCGGCGGCGCTTCAAGAAGAAGGACGCGGTGAAGGACAAGGAG[G>A]AGAAGGACAGGCTGCACCTCAAGGAGCCGCCCCCGCCCGGCCGCCAGCCCCCGCCCGCGC-3'
Protein context (NP_001444.2, residues 175-195): KKKDAVKDKE[Glu185Lys]KDRLHLKEPP

ClinVar aggregate classification (germline): Uncertain significance (1 of 4 stars; one submission).

Conditions:
Axenfeld-Rieger syndrome type 3 (RIEG3). Also called: AXENFELD-RIEGER ANOMALY WITH CARDIAC DEFECTS AND/OR SENSORINEURAL HEARING LOSS. Identifiers: Orphanet 782, MedGen C2678503, MONDO:0011233, OMIM 602482.

gnomAD v4.1: 7 of 1,611,026 alleles (0.00043%); highest among the groups gnomAD compares: South Asian, 0.0033%; no homozygotes.

Submission:

Labcorp Genetics (formerly Invitae), Labcorp
Classification: Uncertain significance for Axenfeld-Rieger syndrome type 3. Last evaluated: 2025-08-29. Review status: criteria provided, single submitter. Criteria: Invitae Variant Classification Sherloc (09022015). Collection method: clinical testing. Allele origin: germline.
Comment: This sequence change replaces glutamic acid, which is acidic and polar, with lysine, which is basic and polar, at codon 185 of the FOXC1 protein (p.Glu185Lys). This variant is not present in population databases (gnomAD no frequency). This variant has not been reported in the literature in individuals affected with FOXC1-related conditions. ClinVar contains an entry for this variant (Variation ID: 3608904). An algorithm developed to predict the effect of missense changes on protein structure and function (PolyPhen-2) suggests that this variant is likely to be tolerated. In summary, the available evidence is currently insufficient to determine the role of this variant in disease. Therefore, it has been classified as a Variant of Uncertain Significance.